The following is an entry in ClinVar:

ClinVar aggregate classification (germline): Uncertain significance (1 of 4 stars; one submission).

Allele frequency attached by ClinVar (database versions not stated): gnomAD exomes below 0.00001.
gnomAD v4.1: 1 of 1,614,018 alleles (0.000062%); highest among the groups gnomAD compares: Non-Finnish European, 0.000085%; no homozygotes.

Submission:

Laboratory for Molecular Medicine, Mass General Brigham Personalized Medicine
Classification: Uncertain significance. Last evaluated: 2016-05-27. Review status: criteria provided, single submitter. Criteria: LMM Criteria. Collection method: clinical testing. Allele origin: germline. Observed: 1 variant allele.
Comment: The p.Asn417Ser variant in MYO6 has not been previously reported in individuals with hearing loss and was absent from large population studies. Computational pr ediction tools and conservation analyses suggest that the p.Asn417Ser variant ma y not impact the protein, though this information is not predictive enough to ru le out pathogenicity. In summary, the clinical significance of the p.Asn417Ser v ariant is uncertain.

NM_004999.4(MYO6):c.1250A>G (p.Asn417Ser)

Gene: MYO6 (myosin VI; plus strand). Cytogenetic location: 6q14.1.
Variant type: single nucleotide variant.
Coding change: c.1250A>G on transcript NM_004999.4 (MANE Select); coding-DNA position 1250, A replaced by G.
Protein change: p.Asn417Ser; replaces asparagine 417 with serine.
Molecular consequence: missense variant. On other transcripts: non-coding transcript variant (1).
Genome position (GRCh38, 1-based): chr6:75,857,123, A>G. VCF-style: chr6-75857123-A-G. GRCh37 (hg19) VCF-style: chr6-76566840-A-G.
Other names: c.1250A>G, p.Asn417Ser (NM_001300899.2, NM_001368136.1, NM_001368137.1 and 2 more transcripts); c.1235A>G, p.Asn412Ser (NM_001368138.1); short protein forms N417S, N412S.
Identifiers: ClinVar variation 504979 (VCV000504979.4), dbSNP rs1554210769, ClinGen allele CA364759420.